The following is an entry in ClinVar:

ClinVar aggregate classification (germline): Conflicting classifications of pathogenicity. Review status: criteria provided, conflicting classifications (1 of 4 stars). 6 submissions from 6 submitters: Uncertain significance (4); Likely benign (2). Last evaluated 2026-01-19.

Conditions:
Cardiovascular phenotype. Identifiers: MedGen CN230736.
Cardiomyopathy (CMYO). Also called: Cardiomyopathies. Identifiers: Orphanet 167848, MedGen C0878544, MONDO:0004994, HP:0001638. Inheritance: Various modes of inheritance.
Dilated cardiomyopathy 1DD (CMD1DD). Identifiers: Orphanet 154, MedGen C2750995, MONDO:0013168, OMIM 613172.

Allele frequency attached by ClinVar (database versions not stated): TOPMed 0.00010; gnomAD 0.00019; 1000 Genomes Project 0.00020; gnomAD exomes 0.00008 and 0.00001; 1000 Genomes Project 30x 0.00016.
gnomAD v4.1: 52 of 1,551,640 alleles (0.0034%); highest among the groups gnomAD compares: Admixed American, 0.071%; no homozygotes.

Submissions (6):

Labcorp Genetics (formerly Invitae), Labcorp
Classification: Likely benign for Dilated cardiomyopathy 1DD. Last evaluated: 2026-01-19. Review status: criteria provided, single submitter. Criteria: Invitae Variant Classification Sherloc (09022015). Collection method: clinical testing. Allele origin: germline.

Laboratory for Molecular Medicine, Mass General Brigham Personalized Medicine
Classification: Likely benign. Last evaluated: 2024-02-27. Review status: criteria provided, single submitter. Criteria: ACMG Guidelines, 2015. Collection method: clinical testing. Allele origin: germline.
Comment: The p.Gly309Arg variant in RBM20 is classified as likely benign because it has been identified in 0.07% (36/51000) of Admixed American chromosomes by gnomAD (v.4.0.0). Computational prediction tools and conservation analyses suggest that this variant may not impact the protein. ACMG/AMP Criteria applied: BS1, BP4.

Ambry Genetics
Classification: Uncertain significance for Cardiovascular phenotype. Last evaluated: 2021-01-26. Review status: criteria provided, single submitter. Criteria: Ambry Variant Classification Scheme 2023. Collection method: clinical testing. Allele origin: germline.

Center for Advanced Laboratory Medicine, UC San Diego Health, University of California San Diego
Classification: Uncertain significance for Cardiomyopathy. Last evaluated: 2019-01-24. Review status: criteria provided, single submitter. Criteria: ACMG Guidelines, 2015. Collection method: clinical testing. Allele origin: germline. Affected: yes. Observed: 1 variant allele.

Stanford Center for Inherited Cardiovascular Disease, Stanford University
Classification: Uncertain significance. Last evaluated: 2017-09-05. Review status: criteria provided, single submitter. Criteria: ACMG Guidelines, 2015. Collection method: provider interpretation. Allele origin: germline.

GeneDx
Classification: Uncertain significance. Last evaluated: 2014-03-04. Review status: criteria provided, single submitter. Criteria: GeneDx Variant Classification (06012015). Collection method: clinical testing. Allele origin: germline. Affected: yes.
Comment: p.Gly309Arg (GGG>AGG): c.925 G>A in exon 2 of the RBM20 gene (NM_001134363.1). The G309R variant has not been published as a mutation, nor has it been reported as a benign polymorphism to our knowledge. The G309R variant was not observed in approximately 2000 individuals of European and African American ancestry in the NHLBI Exome Sequencing Project, indicating it is not a common benign variant in these populations. The G309R variant is a non-conservative amino acid substitution, which is likely to impact secondary protein structure as these residues differ in polarity, charge, size and/or other properties. However, this substitution occurs at a position that is not conserved across species. In silico analysis is inconsistent in its predictions as to whether or not the variant is damaging to the protein structure/function. Missense mutations in nearby residues have not been reported in association with cardiomyopathy, indicating this region of the protein may tolerate change.Therefore, based on the currently available information, it is unclear whether this variant is a pathogenic mutation or a rare benign variant. The variant is found in DCM-CRDM panel(s).

NM_001134363.3(RBM20):c.925G>A (p.Gly309Arg)

Gene: RBM20 (RNA binding motif protein 20; plus strand). Cytogenetic location: 10q25.2.
Variant type: single nucleotide variant.
Coding change: c.925G>A on transcript NM_001134363.3 (MANE Select); coding-DNA position 925, G replaced by A.
Protein change: p.Gly309Arg; replaces glycine 309 with arginine.
Molecular consequence: missense variant.
Genome position (GRCh38, 1-based): chr10:110,781,534, G>A. VCF-style: chr10-110781534-G-A. GRCh37 (hg19) VCF-style: chr10-112541292-G-A.
Other names: p.G309R:GGG>AGG; short protein forms G309R.
Identifiers: ClinVar variation 44030 (VCV000044030.22), dbSNP rs397516625, ClinGen allele CA133426.
Genomic context (GRCh38, chr10:110,781,534, plus strand): 5'-GGTTCACATGTGGCCAGCGGATTTCCAGCTGAGCAGGCTGGGGGCCTGAAAAGTGAGGTC[G>A]GGCCACTGCTGCAGGGCACAAACAGCCAATGGGAGAGCCCCCATGGATTCTCGGGCCAAA-3'
Protein context (NP_001127835.2, residues 299-319): EQAGGLKSEV[Gly309Arg]PLLQGTNSQW